The following is an entry in ClinVar:

NM_000256.3(MYBPC3):c.3294G>A (p.Trp1098Ter)

Gene: MYBPC3 (myosin binding protein C3; minus strand). Cytogenetic location: 11p11.2.
Variant type: single nucleotide variant.
Coding change: c.3294G>A on transcript NM_000256.3 (MANE Select); coding-DNA position 3294, G replaced by A.
Protein change: p.Trp1098Ter; replaces tryptophan 1098 with a stop codon.
Molecular consequence: nonsense.
Genome position (GRCh38, 1-based): chr11:47,333,230, C>T on the plus strand (G>A on the coding strand, the complement: MYBPC3 is on the minus strand). VCF-style: chr11-47333230-C-T. GRCh37 (hg19) VCF-style: chr11-47354781-C-T.
Other names: c.3294G>A, p.Trp1098Ter (LRG_386t1); short protein forms W1098*.
Identifiers: ClinVar variation 520341 (VCV000520341.16), dbSNP rs767039057, ClinGen allele CA053346.

ClinVar aggregate classification (germline): Pathogenic. Review status: criteria provided, multiple submitters, no conflicts (2 of 4 stars). 4 submissions from 4 submitters: Pathogenic (4). Last evaluated 2023-12-25.

Conditions:
Cardiovascular phenotype. Identifiers: MedGen CN230736.
Hypertrophic cardiomyopathy. Also called: HYPERTROPHIC MYOCARDIOPATHY. Identifiers: Orphanet 217569, MedGen C0007194, MeSH D002312, MONDO:0005045, HP:0001639.
Hypertrophic cardiomyopathy 4. Also called: Familial hypertrophic cardiomyopathy 4. Identifiers: MedGen C1861862, MONDO:0007268, OMIM 115197.

Submissions (4):

Labcorp Genetics (formerly Invitae), Labcorp
Classification: Pathogenic for Hypertrophic cardiomyopathy. Last evaluated: 2023-12-25. Review status: criteria provided, single submitter. Criteria: Invitae Variant Classification Sherloc (09022015). Collection method: clinical testing. Allele origin: germline.
Comment: This sequence change creates a premature translational stop signal (p.Trp1098*) in the MYBPC3 gene. It is expected to result in an absent or disrupted protein product. Loss-of-function variants in MYBPC3 are known to be pathogenic (PMID: 19574547). This variant is not present in population databases (gnomAD no frequency). This premature translational stop signal has been observed in individuals with hypertrophic cardiomyopathy (PMID: 20624503, 23233322, 25031304, 31006259). ClinVar contains an entry for this variant (Variation ID: 520341). For these reasons, this variant has been classified as Pathogenic.

Molecular Diagnostic Laboratory for Inherited Cardiovascular Disease, Montreal Heart Institute
Classification: Pathogenic for Cardiovascular phenotype. Last evaluated: 2020-09-04. Review status: criteria provided, single submitter. Criteria: ACMG Guidelines, 2015. Collection method: clinical testing. Allele origin: germline. Affected: yes.

Ambry Genetics
Classification: Pathogenic for Cardiovascular phenotype. Last evaluated: 2017-02-07. Review status: criteria provided, single submitter. Criteria: Ambry Variant Classification Scheme 2023. Collection method: clinical testing. Allele origin: germline.
Comment: The p.W1098* pathogenic mutation (also known as c.3294G>A), located in coding exon 30 of the MYBPC3 gene, results from a G to A substitution at nucleotide position 3294. This changes the amino acid from a tryptophan to a stop codon within coding exon 30. This alteration has been reported in hypertrophic cardiomyopathy cohorts; however, clinical details were limited (Millat G et al. Eur J Med Genet, 2010 Jul;53:261-7; Lopes LR et al. Heart, 2015 Feb;101:294-301). In addition to the clinical data presented in the literature, this alteration is expected to result in loss of function by premature protein truncation or nonsense-mediated mRNA decay. As such, this alteration is interpreted as a disease-causing mutation.

Juno Genomics, Hangzhou Juno Genomics, Inc
Classification: Pathogenic for Hypertrophic cardiomyopathy 4. Review status: criteria provided, single submitter. Criteria: ACMG Guidelines, 2015. Collection method: clinical testing. Allele origin: germline.
Comment: Absent from controls (or at extremely low frequency if recessive) in Genome Aggregation Database.;Null variant in a gene where loss of function (LOF) is a known mechanism of disease.;The prevalence of the variant in affected individuals is significantly increased compared to the prevalence in controls.

Literature cited by the submitters: PubMed 19574547 (cited by Labcorp Genetics (formerly Invitae), Labcorp); PubMed 20624503 (cited by Labcorp Genetics (formerly Invitae), Labcorp and Ambry Genetics); PubMed 23233322 (cited by Labcorp Genetics (formerly Invitae), Labcorp); PubMed 25031304 (cited by Labcorp Genetics (formerly Invitae), Labcorp); PubMed 31006259 (cited by Labcorp Genetics (formerly Invitae), Labcorp); PubMed 25351510 (cited by Ambry Genetics).